The following is an entry in ClinVar:

ClinVar aggregate classification (germline): Uncertain significance (1 of 4 stars; one submission).

Allele frequency attached by ClinVar (database versions not stated): ExAC 0.00001; gnomAD exomes 0.00001; TOPMed 0.00001; gnomAD 0.00004.

Submission:

GeneDx
Classification: Uncertain significance. Last evaluated: 2022-11-23. Review status: criteria provided, single submitter. Criteria: GeneDx Variant Classification Process June 2021. Collection method: clinical testing. Allele origin: germline. Affected: yes.
Comment: In silico analysis supports that this missense variant has a deleterious effect on protein structure/function; Has not been previously published as pathogenic or benign to our knowledge

NM_005085.4(NUP214):c.6017C>T (p.Ser2006Leu)

Gene: NUP214 (nucleoporin 214; plus strand). Cytogenetic location: 9q34.13.
Variant type: single nucleotide variant.
Coding change: c.6017C>T on transcript NM_005085.4 (MANE Select); coding-DNA position 6017, C replaced by T.
Protein change: p.Ser2006Leu; replaces serine 2006 with leucine.
Molecular consequence: missense variant.
Genome position (GRCh38, 1-based): chr9:131,228,274, C>T. VCF-style: chr9-131228274-C-T. GRCh37 (hg19) VCF-style: chr9-134103661-C-T.
Other names: c.5987C>T, p.Ser1996Leu (NM_001318324.2); c.2495C>T, p.Ser832Leu (NM_001318325.2); short protein forms S1996L, S2006L, S832L.
Identifiers: ClinVar variation 2503302 (VCV002503302.1), dbSNP rs763033567, ClinGen allele CA5290306.
Genomic context (GRCh38, chr9:131,228,274, plus strand): 5'-CTGGGTTTGGAGGGGTGCCAGCATTCGGTTCAGCCCCAGCCTTTACAAGCCCTCTGGGCT[C>T]GACGGGAGGCAAAGTGTTCGGAGAGGGCACTGCAGCTGCCAGCGCAGGAGGATTCGGGTA-3'
Protein context (NP_005076.3, residues 1996-2016): SAPAFTSPLG[Ser2006Leu]TGGKVFGEGT